The following is an entry in ClinVar:

ClinVar aggregate classification (germline): Uncertain significance. Review status: criteria provided, multiple submitters, no conflicts (2 of 4 stars). 2 submissions from 2 submitters: Uncertain significance (2). Last evaluated 2025-01-21.

Conditions:
Hypertrophic cardiomyopathy. Also called: HYPERTROPHIC MYOCARDIOPATHY. Identifiers: Orphanet 217569, MedGen C0007194, MeSH D002312, MONDO:0005045, HP:0001639.
Cardiomyopathy (CMYO). Also called: Cardiomyopathies. Identifiers: Orphanet 167848, MedGen C0878544, MONDO:0004994, HP:0001638. Inheritance: Various modes of inheritance.

Submissions (2):

Labcorp Genetics (formerly Invitae), Labcorp
Classification: Uncertain significance for Hypertrophic cardiomyopathy. Last evaluated: 2025-01-21. Review status: criteria provided, single submitter. Criteria: Invitae Variant Classification Sherloc (09022015). Collection method: clinical testing. Allele origin: germline.
Comment: This sequence change replaces arginine, which is basic and polar, with leucine, which is neutral and non-polar, at codon 1634 of the MYH7 protein (p.Arg1634Leu). This variant is not present in population databases (gnomAD no frequency). This missense change has been observed in individual(s) with limb-girdle weakness and/or elevated creatine kinase (PMID: 32528171). ClinVar contains an entry for this variant (Variation ID: 2978574). Invitae Evidence Modeling of protein sequence and biophysical properties (such as structural, functional, and spatial information, amino acid conservation, physicochemical variation, residue mobility, and thermodynamic stability) indicates that this missense variant is expected to disrupt MYH7 protein function with a positive predictive value of 95%. In summary, the available evidence is currently insufficient to determine the role of this variant in disease. Therefore, it has been classified as a Variant of Uncertain Significance.

All of Us Research Program, National Institutes of Health
Classification: Uncertain significance for Cardiomyopathy. Last evaluated: 2023-06-26. Review status: criteria provided, single submitter. Criteria: ACMG Guidelines, 2015. Collection method: clinical testing. Allele origin: germline. Inheritance: Autosomal dominant inheritance. Observed: 2 variant alleles, 2 heterozygotes.
Comment: This missense variant replaces arginine with leucine at codon 1634 of the MYH7 protein. Computational prediction suggests that this variant may have a deleterious impact on protein structure and function (internally defined REVEL score threshold >= 0.7, PMID: 27666373). To our knowledge, functional studies have not been reported for this variant. This variant has been reported in an individual affected with neuromuscular disease (PMID: 32528171). This variant has not been identified in the general population by the Genome Aggregation Database (gnomAD). The available evidence is insufficient to determine the role of this variant in disease conclusively. Therefore, this variant is classified as a Variant of Uncertain Significance.

This study involves interpretation of variants in research participants for the purpose of population health screening. Participant phenotype was not available at the time of variant classification. Additional details can be found in publication PMID: 35346344, PMCID: PMC8962531

Literature cited by the submitters: PubMed 32528171 (cited by Labcorp Genetics (formerly Invitae), Labcorp and All of Us Research Program, National Institutes of Health).

NM_000257.4(MYH7):c.4901G>T (p.Arg1634Leu)

Genes: MHRT (myosin heavy chain associated RNA transcript; plus strand), MYH7 (myosin heavy chain 7; minus strand), LOC126861897 (BRD4-independent group 4 enhancer GRCh37_chr14:23884455-23885654; plus strand). Cytogenetic location: 14q11.2.
Variant type: single nucleotide variant.
Coding change: c.4901G>T on transcript NM_000257.4 (MANE Select); coding-DNA position 4901, G replaced by T.
Protein change: p.Arg1634Leu; replaces arginine 1634 with leucine.
Molecular consequence: missense variant. On other transcripts: non-coding transcript variant (1).
Genome position (GRCh38, 1-based): chr14:23,416,056, C>A on the plus strand (G>T on the coding strand, the complement: MYH7 is on the minus strand). VCF-style: chr14-23416056-C-A. GRCh37 (hg19) VCF-style: chr14-23885265-C-A.
Other names: c.4901G>T, p.Arg1634Leu (NM_001407004.1); short protein forms R1634L.
Identifiers: ClinVar variation 2978574 (VCV002978574.4), dbSNP rs545875689, ClinGen allele CA389037390.